The following is an entry in ClinVar:

NM_015338.6(ASXL1):c.3725A>G (p.Asp1242Gly)

Gene: ASXL1 (ASXL transcriptional regulator 1; plus strand). Cytogenetic location: 20q11.21.
Variant type: single nucleotide variant.
Coding change: c.3725A>G on transcript NM_015338.6 (MANE Select); coding-DNA position 3725, A replaced by G.
Protein change: p.Asp1242Gly; replaces aspartic acid 1242 with glycine.
Molecular consequence: missense variant.
Genome position (GRCh38, 1-based): chr20:32,436,437, A>G. VCF-style: chr20-32436437-A-G. GRCh37 (hg19) VCF-style: chr20-31024240-A-G.
Other names: c.3542A>G, p.Asp1181Gly (NM_001363734.1); short protein forms D1181G, D1242G.
Identifiers: ClinVar variation 1965296 (VCV001965296.6), dbSNP rs1600592765, ClinGen allele CA408563670.

ClinVar aggregate classification (germline): Conflicting classifications of pathogenicity. Review status: criteria provided, conflicting classifications (1 of 4 stars). 2 submissions from 2 submitters: Uncertain significance (1); Likely benign (1). Last evaluated 2025-08-14.

Conditions:
Inborn genetic diseases. Identifiers: MedGen C0950123, MeSH D030342.

Allele frequency attached by ClinVar (database versions not stated): TOPMed 0.00001.

Submissions (2):

Ambry Genetics
Classification: Uncertain significance for Inborn genetic diseases. Last evaluated: 2025-08-14. Review status: criteria provided, single submitter. Criteria: Ambry Variant Classification Scheme 2023. Collection method: clinical testing. Allele origin: germline.
Comment: The p.D1242G variant (also known as c.3725A>G), located in coding exon 13 of the ASXL1 gene, results from an A to G substitution at nucleotide position 3725. The aspartic acid at codon 1242 is replaced by glycine, an amino acid with similar properties. This amino acid position is conserved. In addition, this alteration is predicted to be tolerated by in silico analysis. Based on the available evidence, the clinical significance of this variant remains unclear.

Labcorp Genetics (formerly Invitae), Labcorp
Classification: Likely benign. Last evaluated: 2023-04-24. Review status: criteria provided, single submitter. Criteria: Invitae Variant Classification Sherloc (09022015). Collection method: clinical testing. Allele origin: germline.